The following is an entry in ClinVar:

ClinVar aggregate classification (germline): Uncertain significance (1 of 4 stars; one submission).

gnomAD v4.1: 4 of 1,603,862 alleles (0.00025%); highest among the groups gnomAD compares: Non-Finnish European, 0.00034%; no homozygotes.

Submission:

Labcorp Genetics (formerly Invitae), Labcorp
Classification: Uncertain significance. Last evaluated: 2026-01-16. Review status: criteria provided, single submitter. Criteria: Invitae Variant Classification Sherloc (09022015). Collection method: clinical testing. Allele origin: germline.
Comment: This sequence change replaces valine, which is neutral and non-polar, with leucine, which is neutral and non-polar, at codon 1609 of the MYO7A protein (p.Val1609Leu). This variant is not present in population databases (gnomAD no frequency). This variant has not been reported in the literature in individuals affected with MYO7A-related conditions. Invitae Evidence Modeling of protein sequence and biophysical properties (such as structural, functional, and spatial information, amino acid conservation, physicochemical variation, residue mobility, and thermodynamic stability) indicates that this missense variant is not expected to disrupt MYO7A protein function with a negative predictive value of 95%. In summary, the available evidence is currently insufficient to determine the role of this variant in disease. Therefore, it has been classified as a Variant of Uncertain Significance.

NM_000260.4(MYO7A):c.4825G>T (p.Val1609Leu)

Gene: MYO7A (myosin VIIA; plus strand). Cytogenetic location: 11q13.5.
Variant type: single nucleotide variant.
Coding change: c.4825G>T on transcript NM_000260.4 (MANE Select); coding-DNA position 4825, G replaced by T.
Protein change: p.Val1609Leu; replaces valine 1609 with leucine.
Molecular consequence: missense variant.
Genome position (GRCh38, 1-based): chr11:77,199,791, G>T. VCF-style: chr11-77199791-G-T. GRCh37 (hg19) VCF-style: chr11-76910836-G-T.
Other names: c.4711G>T, p.Val1571Leu (NM_001127180.2); c.4678G>T, p.Val1560Leu (NM_001369365.1); short protein forms V1560L, V1609L, V1571L.
Identifiers: ClinVar variation 4700751 (VCV004700751.1).